The following is an entry in ClinVar:

ClinVar aggregate classification (germline): Likely benign. Review status: criteria provided, multiple submitters, no conflicts (2 of 4 stars). 3 submissions from 3 submitters: Likely benign (2). 1 of the submissions does not count toward it. Last evaluated 2023-10-13.

Conditions:
KATNIP-related disorder. Also called: KATNIP-related condition.

Allele frequency attached by ClinVar (database versions not stated): gnomAD 0.00001; ESP Exome Variant Server 0.00008.
gnomAD v4.1: 38 of 1,614,028 alleles (0.0024%); highest among the groups gnomAD compares: Non-Finnish European, 0.0031%; no homozygotes.

Submissions (3):

Labcorp Genetics (formerly Invitae), Labcorp
Classification: Likely benign. Last evaluated: 2023-10-13. Review status: criteria provided, single submitter. Criteria: Invitae Variant Classification Sherloc (09022015). Collection method: clinical testing. Allele origin: germline.

Blueprint Genetics
Classification: Likely benign. Last evaluated: 2022-05-13. Review status: criteria provided, single submitter. Criteria: ACMG Guidelines, 2015. Collection method: clinical testing. Allele origin: germline.

PreventionGenetics, part of Exact Sciences
Classification: Likely benign for KATNIP-related condition. Last evaluated: 2019-07-30. Review status: no assertion criteria provided. Collection method: clinical testing. Allele origin: germline. Not counted in ClinVar's aggregate classification.
Comment: This variant is classified as likely benign based on ACMG/AMP sequence variant interpretation guidelines (Richards et al. 2015 PMID: 25741868, with internal and published modifications).

NM_015202.5(KATNIP):c.3588C>T (p.Val1196=)

Gene: KATNIP (katanin interacting protein; plus strand). Cytogenetic location: 16p12.1.
Variant type: single nucleotide variant.
Coding change: c.3588C>T on transcript NM_015202.5 (MANE Select); coding-DNA position 3588, C replaced by T.
Protein change: p.Val1196=; no amino-acid change (valine 1196 retained).
Molecular consequence: synonymous variant.
Genome position (GRCh38, 1-based): chr16:27,754,208, C>T. VCF-style: chr16-27754208-C-T. GRCh37 (hg19) VCF-style: chr16-27765529-C-T.
Other names: c.3588C>T (NM_015202.3).
Identifiers: ClinVar variation 1920373 (VCV001920373.8), dbSNP rs369096704, ClinGen allele CA7978313.